The following is an entry in ClinVar:

ClinVar aggregate classification (germline): Uncertain significance (1 of 4 stars; one submission).

Conditions:
Inborn genetic diseases. Identifiers: MedGen C0950123, MeSH D030342.

gnomAD v4.1: 3 of 1,613,532 alleles (0.00019%); highest among the groups gnomAD compares: Non-Finnish European, 0.00025%; no homozygotes.

Submission:

Ambry Genetics
Classification: Uncertain significance for Inborn genetic diseases. Last evaluated: 2025-01-06. Review status: criteria provided, single submitter. Criteria: Ambry Variant Classification Scheme 2023. Collection method: clinical testing. Allele origin: germline.
Comment: The p.A922V variant (also known as c.2765C>T), located in coding exon 1 of the SAMD9 gene, results from a C to T substitution at nucleotide position 2765. The alanine at codon 922 is replaced by valine, an amino acid with similar properties. This amino acid position is conserved. In addition, this alteration is predicted to be tolerated by in silico analysis. Based on the available evidence, the clinical significance of this variant remains unclear.

NM_017654.4(SAMD9):c.2765C>T (p.Ala922Val)

Gene: SAMD9 (sterile alpha motif domain containing 9; minus strand). Cytogenetic location: 7q21.2.
Variant type: single nucleotide variant.
Coding change: c.2765C>T on transcript NM_017654.4 (MANE Select); coding-DNA position 2765, C replaced by T.
Protein change: p.Ala922Val; replaces alanine 922 with valine.
Molecular consequence: missense variant.
Genome position (GRCh38, 1-based): chr7:93,103,333, G>A on the plus strand (C>T on the coding strand, the complement: SAMD9 is on the minus strand). VCF-style: chr7-93103333-G-A. GRCh37 (hg19) VCF-style: chr7-92732646-G-A.
Other names: c.2765C>T, p.Ala922Val (NM_001193307.2); short protein forms A922V.
Identifiers: ClinVar variation 3791982 (VCV003791982.1).